The following is an entry in ClinVar:

NM_004104.5(FASN):c.2678G>C (p.Ser893Thr)

Gene: FASN (fatty acid synthase; minus strand). Cytogenetic location: 17q25.3.
Variant type: single nucleotide variant.
Coding change: c.2678G>C on transcript NM_004104.5 (MANE Select); coding-DNA position 2678, G replaced by C.
Protein change: p.Ser893Thr; replaces serine 893 with threonine.
Molecular consequence: missense variant.
Genome position (GRCh38, 1-based): chr17:82,088,223, C>G on the plus strand (G>C on the coding strand, the complement: FASN is on the minus strand). VCF-style: chr17-82088223-C-G. GRCh37 (hg19) VCF-style: chr17-80046099-C-G.
Other names: short protein forms S893T.
Identifiers: ClinVar variation 3711590 (VCV003711590.2).

ClinVar aggregate classification (germline): Uncertain significance (1 of 4 stars; one submission).

Conditions:
Epileptic encephalopathy. Identifiers: MedGen C0543888, HP:0200134.

gnomAD v4.1: 4 of 1,611,324 alleles (0.00025%); highest among the groups gnomAD compares: Non-Finnish European, 0.00017%; no homozygotes.

Submission:

Labcorp Genetics (formerly Invitae), Labcorp
Classification: Uncertain significance for Epileptic encephalopathy. Last evaluated: 2024-11-28. Review status: criteria provided, single submitter. Criteria: Invitae Variant Classification Sherloc (09022015). Collection method: clinical testing. Allele origin: germline.
Comment: This sequence change replaces serine, which is neutral and polar, with threonine, which is neutral and polar, at codon 893 of the FASN protein (p.Ser893Thr). This variant is not present in population databases (gnomAD no frequency). This variant has not been reported in the literature in individuals affected with FASN-related conditions. An algorithm developed to predict the effect of missense changes on protein structure and function (PolyPhen-2) suggests that this variant is likely to be tolerated. In summary, the available evidence is currently insufficient to determine the role of this variant in disease. Therefore, it has been classified as a Variant of Uncertain Significance.